The following is an entry in ClinVar:

NM_007357.3(COG2):c.1755C>T (p.Ser585=)

Gene: COG2 (component of oligomeric golgi complex 2; plus strand). Cytogenetic location: 1q42.2.
Variant type: single nucleotide variant.
Coding change: c.1755C>T on transcript NM_007357.3 (MANE Select); coding-DNA position 1755, C replaced by T.
Protein change: p.Ser585=; no amino-acid change (serine 585 retained).
Molecular consequence: synonymous variant.
Genome position (GRCh38, 1-based): chr1:230,688,523, C>T. VCF-style: chr1-230688523-C-T. GRCh37 (hg19) VCF-style: chr1-230824269-C-T.
Other names: c.1752C>T, p.Ser584= (NM_001145036.2).
Identifiers: ClinVar variation 712899 (VCV000712899.6), dbSNP rs557988820, ClinGen allele CA1447854.

ClinVar aggregate classification (germline): Likely benign. Review status: criteria provided, single submitter (1 of 4 stars). 2 submissions from 2 submitters: Likely benign (1). 1 of the submissions does not count toward it. Last evaluated 2019-12-31.

Conditions:
COG2-related disorder. Also called: COG2-related condition.
Congenital disorder of glycosylation, type IIq. Also called: CDG IIq. Identifiers: Orphanet 435934, MedGen C4479353, MONDO:0054559, OMIM 617395.

Allele frequency attached by ClinVar (database versions not stated): gnomAD 0.00005 and 0.00008; TOPMed 0.00008; ExAC 0.00012; gnomAD exomes 0.00012; 1000 Genomes Project 30x 0.00016; 1000 Genomes Project 0.00020.
gnomAD v4.1: 246 of 1,614,096 alleles (0.015%); highest among the groups gnomAD compares: South Asian, 0.034%; no homozygotes.

Submissions (2):

Labcorp Genetics (formerly Invitae), Labcorp
Classification: Likely benign for Congenital disorder of glycosylation, type IIq. Last evaluated: 2019-12-31. Review status: criteria provided, single submitter. Criteria: Invitae Variant Classification Sherloc (09022015). Collection method: clinical testing. Allele origin: germline.

PreventionGenetics, part of Exact Sciences
Classification: Likely benign for COG2-related condition. Last evaluated: 2019-07-30. Review status: no assertion criteria provided. Collection method: clinical testing. Allele origin: germline. Not counted in ClinVar's aggregate classification.
Comment: This variant is classified as likely benign based on ACMG/AMP sequence variant interpretation guidelines (Richards et al. 2015 PMID: 25741868, with internal and published modifications).